The following is an entry in ClinVar:

NM_001321103.2(SLC4A7):c.2715A>G (p.Pro905=)

Gene: SLC4A7 (solute carrier family 4 member 7; minus strand). Cytogenetic location: 3p24.1.
Variant type: single nucleotide variant.
Coding change: c.2715A>G on transcript NM_001321103.2 (MANE Select); coding-DNA position 2715, A replaced by G.
Protein change: p.Pro905=; no amino-acid change (proline 905 retained).
Molecular consequence: synonymous variant. On other transcripts: non-coding transcript variant (4).
Genome position (GRCh38, 1-based): chr3:27,395,104, T>C on the plus strand (A>G on the coding strand, the complement: SLC4A7 is on the minus strand). VCF-style: chr3-27395104-T-C. GRCh37 (hg19) VCF-style: chr3-27436595-T-C.
Other names: c.2331A>G, p.Pro777= (NM_001258379.2, NM_001321107.2); c.2316A>G, p.Pro772= (NM_001258380.2); c.2676A>G, p.Pro892= (NM_001321104.2, NM_001321105.2); c.2664A>G, p.Pro888= (NM_001321106.2); c.2343A>G, p.Pro781= (NM_001321108.2); c.2688A>G, p.Pro896= (NM_003615.5).
Identifiers: ClinVar variation 3034030 (VCV003034030.2), dbSNP rs148520298, ClinGen allele CA2291610.

ClinVar aggregate classification (germline): Likely benign (0 of 4 stars; one submission).

Conditions:
SLC4A7-related disorder. Also called: SLC4A7-related condition.

Allele frequency attached by ClinVar (database versions not stated): gnomAD exomes 0.00061; ExAC 0.00089; ESP Exome Variant Server 0.00115; gnomAD 0.00192; 1000 Genomes Project 0.00220; TOPMed 0.00252; 1000 Genomes Project 30x 0.00265.
gnomAD v4.1: 1,240 of 1,580,514 alleles (0.078%); highest among the groups gnomAD compares: Admixed American, 0.37%; 5 homozygotes.

Submission:

PreventionGenetics, part of Exact Sciences
Classification: Likely benign for SLC4A7-related condition. Last evaluated: 2019-06-24. Review status: no assertion criteria provided. Collection method: clinical testing. Allele origin: germline.
Comment: This variant is classified as likely benign based on ACMG/AMP sequence variant interpretation guidelines (Richards et al. 2015 PMID: 25741868, with internal and published modifications).